The following is an entry in ClinVar:

NM_013382.7(POMT2):c.1768dup (p.Tyr590fs)

Gene: POMT2 (protein O-mannosyltransferase 2; minus strand). Cytogenetic location: 14q24.3.
Variant type: Duplication.
Coding change: c.1768dup on transcript NM_013382.7 (MANE Select); coding-DNA position 1768, one base duplicated (T; older notation c.1768dupT).
Protein change: p.Tyr590fs; shifts the reading frame from tyrosine 590.
Molecular consequence: frameshift variant.
Genome position (GRCh38, 1-based): chr14:77,280,038, A duplicated on the plus strand (T on the coding strand, the reverse complement: POMT2 is on the minus strand). VCF-style (leftmost placement, unchanged base first): chr14-77280037-T-TA. GRCh37 (hg19) VCF-style: chr14-77746380-T-TA.
Other names: short protein forms Y590fs.
Identifiers: ClinVar variation 2923402 (VCV002923402.3), dbSNP rs1566644166, ClinGen allele CA615199271.

ClinVar aggregate classification (germline): Pathogenic (1 of 4 stars; one submission).

Conditions:
Muscular dystrophy-dystroglycanopathy (congenital with impaired intellectual development), type B, 2. Also called: MUSCULAR DYSTROPHY, CONGENITAL, POMT2-RELATED; Muscular dystrophy-dystroglycanopathy (congenital with intellectual disability), type B2. Identifiers: MedGen C3150416, MONDO:0013160, OMIM 613156.
Muscular dystrophy-dystroglycanopathy (congenital with brain and eye anomalies), type A2. Also called: MUSCULAR DYSTROPHY-DYSTROGLYCANOPATHY (CONGENITAL WITH BRAIN AND EYE ANOMALIES), TYPE A, 2; WALKER-WARBURG SYNDROME OR MUSCLE-EYE-BRAIN DISEASE, POMT2-RELATED. Identifiers: Orphanet 588, Orphanet 899, MedGen C3150411, MONDO:0013154, OMIM 613150.
Autosomal recessive limb-girdle muscular dystrophy type 2N. Also called: MUSCULAR DYSTROPHY-DYSTROGLYCANOPATHY, LIMB-GIRDLE, POMT2-RELATED; Muscular dystrophy-dystroglycanopathy (limb-girdle), type C, 2. Identifiers: Orphanet 206559, MedGen C3150418, MONDO:0013162, OMIM 613158.

Allele frequency attached by ClinVar (database versions not stated): gnomAD exomes below 0.00001.

Submission:

Labcorp Genetics (formerly Invitae), Labcorp
Classification: Pathogenic for Muscular dystrophy-dystroglycanopathy (congenital with impaired intellectual development), type B, 2; Muscular dystrophy-dystroglycanopathy (congenital with brain and eye anomalies), type A2; Autosomal recessive limb-girdle muscular dystrophy type 2N. Last evaluated: 2023-11-24. Review status: criteria provided, single submitter. Criteria: Invitae Variant Classification Sherloc (09022015). Collection method: clinical testing. Allele origin: germline.
Comment: This sequence change results in a frameshift in the POMT2 gene (p.Tyr590Leufs*190). While this is not anticipated to result in nonsense mediated decay, it is expected to disrupt the last 161 amino acid(s) of the POMT2 protein and extend the protein by 28 additional amino acid residues. This variant is present in population databases (no rsID available, gnomAD 0.009%). This variant has not been reported in the literature in individuals affected with POMT2-related conditions. This variant disrupts a region of the POMT2 protein in which other variant(s) (p.Trp748Arg) have been determined to be pathogenic (PMID: 17634419; Invitae). This suggests that this is a clinically significant region of the protein, and that variants that disrupt it are likely to be disease-causing. For these reasons, this variant has been classified as Pathogenic.

Literature cited by the submitters: PubMed 17634419.